The following is an entry in ClinVar:

NM_003334.4(UBA1):c.1043G>A (p.Arg348Gln)

Gene: UBA1 (ubiquitin like modifier activating enzyme 1; plus strand). Cytogenetic location: Xp11.3.
Variant type: single nucleotide variant.
Coding change: c.1043G>A on transcript NM_003334.4 (MANE Select); coding-DNA position 1043, G replaced by A.
Protein change: p.Arg348Gln; replaces arginine 348 with glutamine.
Molecular consequence: missense variant.
Genome position (GRCh38, 1-based): chrX:47,202,491, G>A. VCF-style: chrX-47202491-G-A. GRCh37 (hg19) VCF-style: chrX-47061890-G-A.
Other names: c.1043G>A, p.Arg348Gln (NM_153280.3); short protein forms R348Q.
Identifiers: ClinVar variation 2047839 (VCV002047839.4), dbSNP rs782479979, ClinGen allele CA10395819.

ClinVar aggregate classification (germline): Uncertain significance (1 of 4 stars; one submission).

Conditions:
Infantile-onset X-linked spinal muscular atrophy. Also called: SPINAL MUSCULAR ATROPHY, X-LINKED LETHAL INFANTILE; Spinal muscular atrophy, X-linked 2; AMC, DISTAL, X-LINKED; ARTHROGRYPOSIS, X-LINKED, TYPE I; Spinal Muscular Atrophy, X-Linked Infantile. Identifiers: Orphanet 1145, MedGen C1844934, MONDO:0010532, OMIM 301830.

Allele frequency attached by ClinVar (database versions not stated): gnomAD 0.00001; TOPMed 0.00001; ExAC 0.00002.
gnomAD v4.1: 2 of 1,199,983 alleles (0.00017%); highest among the groups gnomAD compares: Non-Finnish European, 0.00022%; no homozygotes.

Submission:

Labcorp Genetics (formerly Invitae), Labcorp
Classification: Uncertain significance for Infantile-onset X-linked spinal muscular atrophy. Last evaluated: 2022-09-03. Review status: criteria provided, single submitter. Criteria: Invitae Variant Classification Sherloc (09022015). Collection method: clinical testing. Allele origin: germline.
Comment: This variant is present in population databases (rs782479979, gnomAD 0.02%). This sequence change replaces arginine, which is basic and polar, with glutamine, which is neutral and polar, at codon 348 of the UBA1 protein (p.Arg348Gln). This variant has not been reported in the literature in individuals affected with UBA1-related conditions. Algorithms developed to predict the effect of missense changes on protein structure and function (SIFT, PolyPhen-2, Align-GVGD) all suggest that this variant is likely to be tolerated. In summary, the available evidence is currently insufficient to determine the role of this variant in disease. Therefore, it has been classified as a Variant of Uncertain Significance.